The following is an entry in ClinVar:

NM_006415.4(SPTLC1):c.652G>C (p.Glu218Gln)

Gene: SPTLC1 (serine palmitoyltransferase long chain base subunit 1; minus strand). Cytogenetic location: 9q22.31.
Variant type: single nucleotide variant.
Coding change: c.652G>C on transcript NM_006415.4 (MANE Select); coding-DNA position 652, G replaced by C.
Protein change: p.Glu218Gln; replaces glutamic acid 218 with glutamine.
Molecular consequence: missense variant.
Genome position (GRCh38, 1-based): chr9:92,059,217, C>G on the plus strand (G>C on the coding strand, the complement: SPTLC1 is on the minus strand). VCF-style: chr9-92059217-C-G. GRCh37 (hg19) VCF-style: chr9-94821499-C-G.
Other names: c.652G>C, p.Glu218Gln (NM_001281303.2); c.286G>C, p.Glu96Gln (NM_001368272.1); c.187G>C, p.Glu63Gln (NM_001368273.1); c.652G>C (NM_006415.2); short protein forms E218Q, E63Q, E96Q.
Identifiers: ClinVar variation 1372065 (VCV001372065.9), dbSNP rs371402481, ClinGen allele CA195395579.
Genomic context (GRCh38, chr9:92,059,217, plus strand): 5'-ATTTTCTTCAAAAGAATCATACCTTTTGATCTTCGATCTCTTGTTCTTTTAGTAGTCGCT[C>G]GAGGTCAGCCATGTCATTATGCTTAAATAACTTAATGTCACTACGGGATGCCTGTAATCC-3'
Protein context (NP_006406.1, residues 208-228): LFKHNDMADL[Glu218Gln]RLLKEQEIED

ClinVar aggregate classification (germline): Uncertain significance. Review status: criteria provided, multiple submitters, no conflicts (2 of 4 stars). 2 submissions from 2 submitters: Uncertain significance (2). Last evaluated 2025-05-19.

Conditions:
Inborn genetic diseases. Identifiers: MedGen C0950123, MeSH D030342.
Hereditary sensory and autonomic neuropathy type 1 (HSAN1). Also called: HSAN 1; HSN Type I; Hereditary Sensory Neuropathy Type I. Identifiers: Orphanet 36386, MedGen C0020071, MONDO:0018213.

Allele frequency attached by ClinVar (database versions not stated): gnomAD 0.00001.
gnomAD v4.1: 4 of 1,613,804 alleles (0.00025%); highest among the groups gnomAD compares: Admixed American, 0.0033%; no homozygotes.

Submissions (2):

Ambry Genetics
Classification: Uncertain significance for Inborn genetic diseases. Last evaluated: 2025-05-19. Review status: criteria provided, single submitter. Criteria: Ambry Variant Classification Scheme 2023. Collection method: clinical testing. Allele origin: germline.

Labcorp Genetics (formerly Invitae), Labcorp
Classification: Uncertain significance for Hereditary sensory and autonomic neuropathy type 1. Last evaluated: 2024-09-08. Review status: criteria provided, single submitter. Criteria: Invitae Variant Classification Sherloc (09022015). Collection method: clinical testing. Allele origin: germline.
Comment: This sequence change replaces glutamic acid, which is acidic and polar, with glutamine, which is neutral and polar, at codon 218 of the SPTLC1 protein (p.Glu218Gln). This variant is present in population databases (no rsID available, gnomAD 0.003%). This variant has not been reported in the literature in individuals affected with SPTLC1-related conditions. ClinVar contains an entry for this variant (Variation ID: 1372065). Invitae Evidence Modeling of protein sequence and biophysical properties (such as structural, functional, and spatial information, amino acid conservation, physicochemical variation, residue mobility, and thermodynamic stability) indicates that this missense variant is not expected to disrupt SPTLC1 protein function with a negative predictive value of 80%. In summary, the available evidence is currently insufficient to determine the role of this variant in disease. Therefore, it has been classified as a Variant of Uncertain Significance.